The following is an entry in ClinVar:

NM_000059.4(BRCA2):c.8261A>C (p.His2754Pro)

Gene: BRCA2 (BRCA2 DNA repair associated; plus strand). Cytogenetic location: 13q13.1.
Variant type: single nucleotide variant.
Coding change: c.8261A>C on transcript NM_000059.4 (MANE Select); coding-DNA position 8261, A replaced by C.
Protein change: p.His2754Pro; replaces histidine 2754 with proline.
Molecular consequence: missense variant. On other transcripts: non-coding transcript variant (1).
Genome position (GRCh38, 1-based): chr13:32,363,463, A>C. VCF-style: chr13-32363463-A-C. GRCh37 (hg19) VCF-style: chr13-32937600-A-C.
Other names: c.8165A>C, p.His2722Pro (NM_001406719.1); c.8261A>C, p.His2754Pro (NM_001406720.1); c.3329A>C, p.His1110Pro (NM_001406721.1); c.1844A>C, p.His615Pro (NM_001406722.1); short protein forms H2722P, H2754P, H615P, H1110P.
Identifiers: ClinVar variation 2845024 (VCV002845024.5), dbSNP rs1555287066, ClinGen allele CA387749993.

ClinVar aggregate classification (germline): Uncertain significance. Review status: criteria provided, multiple submitters, no conflicts (2 of 4 stars). 2 submissions from 2 submitters: Uncertain significance (2). Last evaluated 2026-01-10.

Conditions:
Hereditary breast ovarian cancer syndrome. Also called: Hereditary breast and ovarian cancer; Hereditary breast and ovarian cancer syndrome (HBOC); Breast and ovarian cancer; Hereditary breast and/or ovarian cancer syndrome; Hereditary breast and ovarian cancer syndrome; BRCA1- and BRCA2-Associated Hereditary Breast and Ovarian Cancer. Identifiers: Orphanet 145, MedGen C0677776, MeSH D061325, MONDO:0003582. Disease mechanism: loss of function.
Fanconi anemia complementation group D1. Also called: BRCA2-Related Fanconi Anemia. Identifiers: Orphanet 319462, MedGen C1838457, MONDO:0011584, OMIM 605724.
Familial cancer of breast. Also called: BREAST CANCER, FAMILIAL; Hereditary breast cancer; hereditary breast carcinoma. Identifiers: Orphanet 227535, MedGen C0346153, MONDO:0016419, OMIM 114480. Disease mechanism: loss of function.

Submissions (2):

Labcorp Genetics (formerly Invitae), Labcorp
Classification: Uncertain significance for Hereditary breast ovarian cancer syndrome. Last evaluated: 2026-01-10. Review status: criteria provided, single submitter. Criteria: Invitae Variant Classification Sherloc (09022015). Collection method: clinical testing. Allele origin: germline.
Comment: This sequence change replaces histidine, which is basic and polar, with proline, which is neutral and non-polar, at codon 2754 of the BRCA2 protein (p.His2754Pro). This variant is not present in population databases (gnomAD no frequency). This variant has not been reported in the literature in individuals affected with BRCA2-related conditions. ClinVar contains an entry for this variant (Variation ID: 2845024). Invitae Evidence Modeling of protein sequence and biophysical properties (such as structural, functional, and spatial information, amino acid conservation, physicochemical variation, residue mobility, and thermodynamic stability) indicates that this missense variant is not expected to disrupt BRCA2 protein function with a negative predictive value of 95%. In summary, the available evidence is currently insufficient to determine the role of this variant in disease. Therefore, it has been classified as a Variant of Uncertain Significance.

Baylor Genetics
Classification: Uncertain significance for Familial cancer of breast. Last evaluated: 2023-12-24. Review status: criteria provided, single submitter. Criteria: ACMG Guidelines, 2015. Collection method: clinical testing. Allele origin: unknown.